The following is an entry in ClinVar:

ClinVar aggregate classification (germline): Uncertain significance (1 of 4 stars; one submission).

Allele frequency attached by ClinVar (database versions not stated): TOPMed 0.00002.
gnomAD v4.1: 12 of 1,606,602 alleles (0.00075%); highest among the groups gnomAD compares: Non-Finnish European, 0.00093%; no homozygotes.

Submission:

Labcorp Genetics (formerly Invitae), Labcorp
Classification: Uncertain significance. Last evaluated: 2022-09-27. Review status: criteria provided, single submitter. Criteria: Invitae Variant Classification Sherloc (09022015). Collection method: clinical testing. Allele origin: germline.
Comment: Algorithms developed to predict the effect of missense changes on protein structure and function are either unavailable or do not agree on the potential impact of this missense change (SIFT: "Tolerated"; PolyPhen-2: "Possibly Damaging"; Align-GVGD: "Class C0"). In summary, the available evidence is currently insufficient to determine the role of this variant in disease. Therefore, it has been classified as a Variant of Uncertain Significance. This sequence change replaces glutamine, which is neutral and polar, with lysine, which is basic and polar, at codon 1053 of the FMN1 protein (p.Gln1053Lys). This variant is present in population databases (no rsID available, gnomAD 0.007%). This variant has not been reported in the literature in individuals affected with FMN1-related conditions.

NM_001277313.2(FMN1):c.3826C>A (p.Gln1276Lys)

Gene: FMN1 (formin 1; minus strand). Cytogenetic location: 15q13.3.
Variant type: single nucleotide variant.
Coding change: c.3826C>A on transcript NM_001277313.2 (MANE Select); coding-DNA position 3826, C replaced by A.
Protein change: p.Gln1276Lys; replaces glutamine 1276 with lysine.
Molecular consequence: missense variant.
Genome position (GRCh38, 1-based): chr15:32,888,181, G>T on the plus strand (C>A on the coding strand, the complement: FMN1 is on the minus strand). VCF-style: chr15-32888181-G-T. GRCh37 (hg19) VCF-style: chr15-33180382-G-T.
Other names: c.3157C>A, p.Gln1053Lys (NM_001103184.4); short protein forms Q1053K, Q1276K.
Identifiers: ClinVar variation 1929175 (VCV001929175.5), dbSNP rs1460570758, ClinGen allele CA391558473.